The following is an entry in ClinVar:

ClinVar aggregate classification (germline): Uncertain significance. Review status: criteria provided, multiple submitters, no conflicts (2 of 4 stars). 4 submissions from 4 submitters: Uncertain significance (4). Last evaluated 2025-10-06.

Conditions:
Inborn genetic diseases. Identifiers: MedGen C0950123, MeSH D030342.
2-aminoadipic 2-oxoadipic aciduria (AAKAD). Also called: Aminoadipic aciduria; ALPHA-AMINOADIPIC AND ALPHA-KETOADIPIC ACIDURIA. Identifiers: Orphanet 79154, MedGen C1859817, MONDO:0008774, OMIM 204750.

Submissions (4):

Labcorp Genetics (formerly Invitae), Labcorp
Classification: Uncertain significance for 2-aminoadipic 2-oxoadipic aciduria. Last evaluated: 2025-10-06. Review status: criteria provided, single submitter. Criteria: Invitae Variant Classification Sherloc (09022015). Collection method: clinical testing. Allele origin: germline.
Comment: This sequence change replaces leucine, which is neutral and non-polar, with glycine, which is neutral and non-polar, at codon 234 of the DHTKD1 protein (p.Leu234Gly). This variant is present in population databases (no rsID available, gnomAD 0.007%). This missense change has been observed in individual(s) with clinical features of autosomal recessive 2-aminoadipic 2-oxoadipic aciduria (PMID: 25860818). ClinVar contains an entry for this variant (Variation ID: 1371283). An algorithm developed to predict the effect of missense changes on protein structure and function (PolyPhen-2) suggests that this variant is likely to be disruptive. In summary, the available evidence is currently insufficient to determine the role of this variant in disease. Therefore, it has been classified as a Variant of Uncertain Significance.

Women's Health and Genetics/Laboratory Corporation of America, LabCorp
Classification: Uncertain significance. Last evaluated: 2025-09-16. Review status: criteria provided, single submitter. Criteria: LabCorp Variant Classification Summary - May 2015. Collection method: clinical testing. Allele origin: germline.
Comment: Variant summary: DHTKD1 c.700_701delinsGG (p.Leu234Gly) is part of a multinucleotide combination of 10-12129711-C-G (c.700C>G, p.Leu234Val) and 10-12129712-T-G (c.701T>G, p.Leu234Arg) that results in a non-conservative amino acid change in the encoded protein sequence. Algorithms developed to predict the effect of missense changes on protein structure and function are either unavailable or do not agree on the potential impact of this missense change. The variant allele was found at a frequency of 6.6e-05 in 272824 control chromosomes. This frequency is not significantly higher than estimated for disease-causing variants in DHTKD1, allowing no conclusion about variant significance. c.700_701delinsGG has been observed in a homozygous individual affected with 2-aminoadipic 2-oxoadipic aciduria (Hagen_2015). These data indicate that the variant may be associated with disease. To our knowledge, no experimental evidence demonstrating an impact on protein function has been reported. The following publication have been ascertained in the context of this evaluation (PMID: 25860818). ClinVar contains an entry for this variant (Variation ID: 1371283). Based on the evidence outlined above, the variant was classified as VUS-possibly pathogenic.

Mayo Clinic Laboratories, Mayo Clinic
Classification: Uncertain significance. Last evaluated: 2022-11-22. Review status: criteria provided, single submitter. Criteria: ACMG Guidelines, 2015. Collection method: clinical testing. Allele origin: germline. Observed: 1 variant allele.

Ambry Genetics
Classification: Uncertain significance for Inborn genetic diseases. Last evaluated: 2022-08-05. Review status: criteria provided, single submitter. Criteria: Ambry Variant Classification Scheme 2023. Collection method: clinical testing. Allele origin: germline.
Comment: The c.700_701delCTinsGG (p.L234G) alteration, located in exon 4 (coding exon 4) of the DHTKD1 gene, consists of an in-frame substitution of 2 nucleotides from position 700 to 701, resulting in the insertion of <NA> residues. Based on insufficient or conflicting evidence, the clinical significance of this alteration remains unclear.

Literature cited by the submitters: PubMed 25860818 (cited by 4 submitters); PubMed 32633484 (cited by Mayo Clinic Laboratories, Mayo Clinic).

NM_018706.7(DHTKD1):c.700_701delinsGG (p.Leu234Gly)

Gene: DHTKD1 (dehydrogenase E1 and transketolase domain containing 1; plus strand). Cytogenetic location: 10p14.
Variant type: Indel.
Coding change: c.700_701delinsGG on transcript NM_018706.7 (MANE Select); coding-DNA positions 700 to 701, CT replaced by GG.
Protein change: p.Leu234Gly; replaces leucine 234 with glycine.
Molecular consequence: missense variant.
Genome position (GRCh38, 1-based): chr10:12,087,712-12,087,713, CT replaced by GG. VCF-style: chr10-12087712-CT-GG. GRCh37 (hg19) VCF-style: chr10-12129711-CT-GG.
Other names: p.Leu234Gly; c.700_701delCTinsGG (NM_018706.5); c.700_701delinsGG (NM_018706.6); short protein forms L234G.
Identifiers: ClinVar variation 1371283 (VCV001371283.9), dbSNP rs2131357438, ClinGen allele CA915940679.
Genomic context (GRCh38, chr10:12,087,712, plus strand): 5'-ATCACTGATGTCATTATTGGGATGCCCCATAGAGGGAGGCTGAATTTATTGACAGGCCTT[CT>GG]GCAGTTCCCTCCAGAGGTAAGGTTACTCGCTGTGTTTCTCAGTAGCACTATATGATTGAT-3'
Protein context (NP_061176.4, residues 224-244): RGRLNLLTGL[Leu234Gly]QFPPELMFRK